The following is an entry in ClinVar:

ClinVar aggregate classification (germline): Uncertain significance. Review status: criteria provided, multiple submitters, no conflicts (2 of 4 stars). 2 submissions from 2 submitters: Uncertain significance (2). Last evaluated 2024-11-11.

Allele frequency attached by ClinVar (database versions not stated): gnomAD exomes 0.00022 and 0.00027; ExAC 0.00024; TOPMed 0.00031; gnomAD 0.00034 and 0.00035; 1000 Genomes Project 0.00040; ESP Exome Variant Server 0.00046; 1000 Genomes Project 30x 0.00047.
gnomAD v4.1: 387 of 1,614,208 alleles (0.024%); highest among the groups gnomAD compares: Middle Eastern, 0.066%; no homozygotes.

Submissions (2):

Labcorp Genetics (formerly Invitae), Labcorp
Classification: Uncertain significance. Last evaluated: 2024-11-11. Review status: criteria provided, single submitter. Criteria: Invitae Variant Classification Sherloc (09022015). Collection method: clinical testing. Allele origin: germline.
Comment: This sequence change replaces alanine, which is neutral and non-polar, with valine, which is neutral and non-polar, at codon 279 of the HMOX1 protein (p.Ala279Val). This variant is present in population databases (rs148193694, gnomAD 0.08%). This variant has not been reported in the literature in individuals affected with HMOX1-related conditions. ClinVar contains an entry for this variant (Variation ID: 1441666). An algorithm developed to predict the effect of missense changes on protein structure and function (PolyPhen-2) suggests that this variant¬†is likely to be tolerated. In summary, the available evidence is currently insufficient to determine the role of this variant in disease. Therefore, it has been classified as a Variant of Uncertain Significance.

Mayo Clinic Laboratories, Mayo Clinic
Classification: Uncertain significance. Last evaluated: 2022-09-20. Review status: criteria provided, single submitter. Criteria: ACMG Guidelines, 2015. Collection method: clinical testing. Allele origin: germline. Observed: 1 variant allele.
Comment: BP4

NM_002133.3(HMOX1):c.836C>T (p.Ala279Val)

Gene: HMOX1 (heme oxygenase 1; plus strand). Cytogenetic location: 22q12.3.
Variant type: single nucleotide variant.
Coding change: c.836C>T on transcript NM_002133.3 (MANE Select); coding-DNA position 836, C replaced by T.
Protein change: p.Ala279Val; replaces alanine 279 with valine.
Molecular consequence: missense variant.
Genome position (GRCh38, 1-based): chr22:35,393,567, C>T. VCF-style: chr22-35393567-C-T. GRCh37 (hg19) VCF-style: chr22-35789560-C-T.
Other names: p.Ala279Val; c.836C>T (NM_002133.2); short protein forms A279V.
Identifiers: ClinVar variation 1441666 (VCV001441666.5), dbSNP rs148193694, ClinGen allele CA10204849.